The following is an entry in ClinVar:

NM_004287.5(GOSR2):c.428A>T (p.Asp143Val)

Genes: GOSR2 (golgi SNAP receptor complex member 2; plus strand), LRRC37A2 (leucine rich repeat containing 37 member A2). Cytogenetic location: 17q21.32.
Variant type: single nucleotide variant.
Coding change: c.428A>T on transcript NM_004287.5 (MANE Select); coding-DNA position 428, A replaced by T.
Protein change: p.Asp143Val; replaces aspartic acid 143 with valine.
Molecular consequence: missense variant. On other transcripts: non-coding transcript variant (1), intron variant (4).
Genome position (GRCh38, 1-based): chr17:46,935,120, A>T. VCF-style: chr17-46935120-A-T. GRCh37 (hg19) VCF-style: chr17-45012486-A-T.
Other names: c.428A>T, p.Asp143Val (NM_001012511.3, NM_001321133.2, NM_054022.4); c.425A>T, p.Asp142Val (NM_001353114.2); c.374A>T, p.Asp125Val (NM_001363851.2); c.282+2921A>T (NM_001321134.2); c.336+2921A>T (NM_001330252.2); c.333+2921A>T (NM_001353115.2, NM_001353116.2); short protein forms D125V, D142V, D143V.
Identifiers: ClinVar variation 1011774 (VCV001011774.9), dbSNP rs2088079257, ClinGen allele CA400018255.

ClinVar aggregate classification (germline): Uncertain significance (1 of 4 stars; one submission).

Conditions:
Progressive myoclonic epilepsy. Also called: Familial progressive myoclonic epilepsy; Myoclonic Epilepsies, Progressive; Myoclonus epilepsy; Progressive myoclonus epilepsy. Identifiers: Orphanet 308, Orphanet 98261, MedGen C0751778, MONDO:0020074.

Allele frequency attached by ClinVar (database versions not stated): gnomAD exomes below 0.00001.
gnomAD v4.1: 1 of 1,614,018 alleles (0.000062%); highest among the groups gnomAD compares: Non-Finnish European, 0.000085%; no homozygotes.

Submission:

Labcorp Genetics (formerly Invitae), Labcorp
Classification: Uncertain significance for Progressive myoclonic epilepsy. Last evaluated: 2021-07-20. Review status: criteria provided, single submitter. Criteria: Invitae Variant Classification Sherloc (09022015). Collection method: clinical testing. Allele origin: germline.
Comment: In summary, the available evidence is currently insufficient to determine the role of this variant in disease. Therefore, it has been classified as a Variant of Uncertain Significance. Algorithms developed to predict the effect of missense changes on protein structure and function are either unavailable or do not agree on the potential impact of this missense change (SIFT: "Tolerated"; PolyPhen-2: "Probably Damaging"; Align-GVGD: "Class C0"). ClinVar contains an entry for this variant (Variation ID: 1011774). This variant has not been reported in the literature in individuals affected with GOSR2-related conditions. This variant is not present in population databases (ExAC no frequency). This sequence change replaces aspartic acid with valine at codon 143 of the GOSR2 protein (p.Asp143Val). The aspartic acid residue is weakly conserved and there is a large physicochemical difference between aspartic acid and valine.